The following is an entry in ClinVar:

ClinVar aggregate classification (germline): Uncertain significance (1 of 4 stars; one submission).

Allele frequency attached by ClinVar (database versions not stated): gnomAD exomes below 0.00001; TOPMed below 0.00001; gnomAD 0.00001.
gnomAD v4.1: 6 of 1,613,812 alleles (0.00037%); highest among the groups gnomAD compares: Non-Finnish European, 0.00051%; no homozygotes.

Submission:

Labcorp Genetics (formerly Invitae), Labcorp
Classification: Uncertain significance. Last evaluated: 2022-04-10. Review status: criteria provided, single submitter. Criteria: Invitae Variant Classification Sherloc (09022015). Collection method: clinical testing. Allele origin: germline.
Comment: This variant has not been reported in the literature in individuals affected with PCLO-related conditions. This variant is not present in population databases (gnomAD no frequency). This sequence change replaces alanine, which is neutral and non-polar, with proline, which is neutral and non-polar, at codon 2319 of the PCLO protein (p.Ala2319Pro). Algorithms developed to predict the effect of missense changes on protein structure and function are either unavailable or do not agree on the potential impact of this missense change (SIFT: "Tolerated"; PolyPhen-2: "Not Available"; Align-GVGD: "Class C0"). In summary, the available evidence is currently insufficient to determine the role of this variant in disease. Therefore, it has been classified as a Variant of Uncertain Significance.

NM_033026.6(PCLO):c.6955G>C (p.Ala2319Pro)

Gene: PCLO (piccolo presynaptic cytomatrix protein; minus strand). Cytogenetic location: 7q21.11.
Variant type: single nucleotide variant.
Coding change: c.6955G>C on transcript NM_033026.6 (MANE Select); coding-DNA position 6955, G replaced by C.
Protein change: p.Ala2319Pro; replaces alanine 2319 with proline.
Molecular consequence: missense variant.
Genome position (GRCh38, 1-based): chr7:82,953,998, C>G on the plus strand (G>C on the coding strand, the complement: PCLO is on the minus strand). VCF-style: chr7-82953998-C-G. GRCh37 (hg19) VCF-style: chr7-82583314-C-G.
Other names: c.6955G>C, p.Ala2319Pro (NM_014510.3); short protein forms A2319P.
Identifiers: ClinVar variation 2114554 (VCV002114554.4), dbSNP rs1253112992, ClinGen allele CA367918002.
Genomic context (GRCh38, chr7:82,953,998, plus strand): 5'-CGGTTTCGGATAAGCTACTTTTTGTTCGTTCGGCCTCCAACTCCTTTTTATCTCTGTAAG[C>G]TTCCAAAACTTCCAGAATGATTCCATTCCCAGTTTCCTTCTTGGCTTTCTTCACTGGGTC-3'
Protein context (NP_149015.2, residues 2309-2329): GNGIILEVLE[Ala2319Pro]YRDKKELEAE